The following is an entry in ClinVar:

NM_138691.3(TMC1):c.619T>A (p.Phe207Ile)

Gene: TMC1 (transmembrane channel like 1; plus strand). Cytogenetic location: 9q21.13.
Variant type: single nucleotide variant.
Coding change: c.619T>A on transcript NM_138691.3 (MANE Select); coding-DNA position 619, T replaced by A.
Protein change: p.Phe207Ile; replaces phenylalanine 207 with isoleucine.
Molecular consequence: missense variant.
Genome position (GRCh38, 1-based): chr9:72,751,933, T>A. VCF-style: chr9-72751933-T-A. GRCh37 (hg19) VCF-style: chr9-75366849-T-A.
Other names: short protein forms F207I.
Identifiers: ClinVar variation 1990176 (VCV001990176.5), dbSNP rs368042336, ClinGen allele CA5081730.

ClinVar aggregate classification (germline): Uncertain significance. Review status: criteria provided, multiple submitters, no conflicts (2 of 4 stars). 3 submissions from 3 submitters: Uncertain significance (3). Last evaluated 2024-05-08.

Conditions:
TMC1-related disorder. Also called: TMC1-related disorders; TMC1-related condition.
Inborn genetic diseases. Identifiers: MedGen C0950123, MeSH D030342.

Allele frequency attached by ClinVar (database versions not stated): gnomAD exomes 0.00001; ExAC 0.00003; gnomAD 0.00007; ESP Exome Variant Server 0.00008; TOPMed 0.00009.
gnomAD v4.1: 28 of 1,611,928 alleles (0.0017%); highest among the groups gnomAD compares: African/African-American, 0.035%; no homozygotes.

Submissions (3):

Labcorp Genetics (formerly Invitae), Labcorp
Classification: Uncertain significance. Last evaluated: 2024-05-08. Review status: criteria provided, single submitter. Criteria: Invitae Variant Classification Sherloc (09022015). Collection method: clinical testing. Allele origin: germline.
Comment: This sequence change replaces phenylalanine, which is neutral and non-polar, with isoleucine, which is neutral and non-polar, at codon 207 of the TMC1 protein (p.Phe207Ile). This variant is present in population databases (rs368042336, gnomAD 0.03%). This variant has not been reported in the literature in individuals affected with TMC1-related conditions. ClinVar contains an entry for this variant (Variation ID: 1990176). Advanced modeling of protein sequence and biophysical properties (such as structural, functional, and spatial information, amino acid conservation, physicochemical variation, residue mobility, and thermodynamic stability) performed at Invitae indicates that this missense variant is not expected to disrupt TMC1 protein function with a negative predictive value of 95%. In summary, the available evidence is currently insufficient to determine the role of this variant in disease. Therefore, it has been classified as a Variant of Uncertain Significance.

PreventionGenetics, part of Exact Sciences
Classification: Uncertain significance for TMC1-related condition. Last evaluated: 2023-08-10. Review status: criteria provided, single submitter. Criteria: ACMG Guidelines, 2015. Collection method: clinical testing. Allele origin: germline.
Comment: The TMC1 c.619T>A variant is predicted to result in the amino acid substitution p.Phe207Ile. To our knowledge, this variant has not been reported in the literature. This variant is reported in 0.028% of alleles in individuals of African descent in gnomAD. At this time, the clinical significance of this variant is uncertain due to the absence of conclusive functional and genetic evidence.

Ambry Genetics
Classification: Uncertain significance for Inborn genetic diseases. Last evaluated: 2022-12-27. Review status: criteria provided, single submitter. Criteria: Ambry Variant Classification Scheme 2023. Collection method: clinical testing. Allele origin: germline.